The following is an entry in ClinVar:

NM_182961.4(SYNE1):c.11711A>G (p.Gln3904Arg)

Gene: SYNE1 (spectrin repeat containing nuclear envelope protein 1; minus strand). Cytogenetic location: 6q25.2.
Variant type: single nucleotide variant.
Coding change: c.11711A>G on transcript NM_182961.4 (MANE Select); coding-DNA position 11711, A replaced by G.
Protein change: p.Gln3904Arg; replaces glutamine 3904 with arginine.
Molecular consequence: missense variant.
Genome position (GRCh38, 1-based): chr6:152,350,640, T>C on the plus strand (A>G on the coding strand, the complement: SYNE1 is on the minus strand). VCF-style: chr6-152350640-T-C. GRCh37 (hg19) VCF-style: chr6-152671775-T-C.
Other names: c.11666A>G, p.Gln3889Arg (NM_033071.5); short protein forms Q3904R, Q3889R.
Identifiers: ClinVar variation 1407711 (VCV001407711.6), dbSNP rs771294384, ClinGen allele CA4056619.

ClinVar aggregate classification (germline): Uncertain significance (1 of 4 stars; one submission).

Conditions:
Emery-Dreifuss muscular dystrophy 4, autosomal dominant (EDMD4). Also called: EMERY-DREIFUSS MUSCULAR DYSTROPHY 4 WITH VARIABLE FEATURES. Identifiers: Orphanet 261, MedGen C2751807, MONDO:0013071, OMIM 612998.
Autosomal recessive ataxia, Beauce type. Also called: SYNE1-Related Autosomal Recessive Cerebellar Ataxia; Spinocerebellar ataxia, autosomal recessive 8; ATAXIA, RECESSIVE, OF BEAUCE; SYNE1 Deficiency. Identifiers: Orphanet 88644, MedGen C1853116, MONDO:0012549, OMIM 610743.

Allele frequency attached by ClinVar (database versions not stated): ExAC 0.00001; gnomAD 0.00001; gnomAD exomes 0.00001 and 0.00002; TOPMed 0.00001.
gnomAD v4.1: 8 of 1,614,066 alleles (0.0005%); highest among the groups gnomAD compares: East Asian, 0.016%; no homozygotes.

Submission:

Labcorp Genetics (formerly Invitae), Labcorp
Classification: Uncertain significance for Emery-Dreifuss muscular dystrophy 4, autosomal dominant; Autosomal recessive ataxia, Beauce type. Last evaluated: 2025-07-21. Review status: criteria provided, single submitter. Criteria: Invitae Variant Classification Sherloc (09022015). Collection method: clinical testing. Allele origin: germline.
Comment: This sequence change replaces glutamine, which is neutral and polar, with arginine, which is basic and polar, at codon 3889 of the SYNE1 protein (p.Gln3889Arg). This variant is present in population databases (rs771294384, gnomAD 0.02%). This variant has not been reported in the literature in individuals affected with SYNE1-related conditions. ClinVar contains an entry for this variant (Variation ID: 1407711). An algorithm developed to predict the effect of missense changes on protein structure and function (PolyPhen-2) suggests that this variant is likely to be tolerated. In summary, the available evidence is currently insufficient to determine the role of this variant in disease. Therefore, it has been classified as a Variant of Uncertain Significance.